The following is an entry in ClinVar:

NM_024408.4(NOTCH2):c.3305A>G (p.Asn1102Ser)

Gene: NOTCH2 (notch receptor 2; minus strand). Cytogenetic location: 1p12.
Variant type: single nucleotide variant.
Coding change: c.3305A>G on transcript NM_024408.4 (MANE Select); coding-DNA position 3305, A replaced by G.
Protein change: p.Asn1102Ser; replaces asparagine 1102 with serine.
Molecular consequence: missense variant.
Genome position (GRCh38, 1-based): chr1:119,937,889, T>C on the plus strand (A>G on the coding strand, the complement: NOTCH2 is on the minus strand). VCF-style: chr1-119937889-T-C. GRCh37 (hg19) VCF-style: chr1-120480512-T-C.
Other names: c.3305A>G, p.Asn1102Ser (NM_001200001.2); short protein forms N1102S.
Identifiers: ClinVar variation 284952 (VCV000284952.11), dbSNP rs781872271, ClinGen allele CA1040103.
Genomic context (GRCh38, chr1:119,937,889, plus strand): 5'-GACCTGAGCCCAAGGGAGCAAAGCTTACCTCTCCTGGAGGCTGCTATGTCACAAGAGACA[T>C]TGGGCACGTCACAATAGGCACCAGCCCATCCAGATGGACATAGGCACTGGGACTCTGCTT-3'
Protein context (NP_077719.2, residues 1092-1112): GWAGAYCDVP[Asn1102Ser]VSCDIAASRR

ClinVar aggregate classification (germline): Uncertain significance. Review status: criteria provided, multiple submitters, no conflicts (2 of 4 stars). 3 submissions from 3 submitters: Uncertain significance (3). Last evaluated 2025-05-08.

Conditions:
Alagille syndrome due to a NOTCH2 point mutation. Also called: Alagille syndrome 2. Identifiers: Orphanet 261629, Orphanet 52, MedGen C1857761, MONDO:0012439, OMIM 610205.
Hajdu-Cheney syndrome (HJCYS). Also called: Acroosteolysis dominant type; ACROOSTEOLYSIS WITH OSTEOPOROSIS AND CHANGES IN SKULL AND MANDIBLE; SERPENTINE FIBULA-POLYCYSTIC KIDNEY SYNDROME. Identifiers: Orphanet 955, MedGen C0917715, MONDO:0007057, OMIM 102500.

Allele frequency attached by ClinVar (database versions not stated): gnomAD exomes 0.00001 and 0.00002; ExAC 0.00002; gnomAD 0.00005 and 0.00006; TOPMed 0.00005.
gnomAD v4.1: 29 of 1,614,110 alleles (0.0018%); highest among the groups gnomAD compares: African/African-American, 0.021%; no homozygotes.

Submissions (3):

Labcorp Genetics (formerly Invitae), Labcorp
Classification: Uncertain significance for Hajdu-Cheney syndrome. Last evaluated: 2025-05-08. Review status: criteria provided, single submitter. Criteria: Invitae Variant Classification Sherloc (09022015). Collection method: clinical testing. Allele origin: germline.
Comment: This sequence change replaces asparagine, which is neutral and polar, with serine, which is neutral and polar, at codon 1102 of the NOTCH2 protein (p.Asn1102Ser). This variant is present in population databases (rs781872271, gnomAD 0.02%). This variant has not been reported in the literature in individuals affected with NOTCH2-related conditions. ClinVar contains an entry for this variant (Variation ID: 284952). Invitae Evidence Modeling of protein sequence and biophysical properties (such as structural, functional, and spatial information, amino acid conservation, physicochemical variation, residue mobility, and thermodynamic stability) indicates that this missense variant is not expected to disrupt NOTCH2 protein function with a negative predictive value of 80%. In summary, the available evidence is currently insufficient to determine the role of this variant in disease. Therefore, it has been classified as a Variant of Uncertain Significance.

Fulgent Genetics
Classification: Uncertain significance for Hajdu-Cheney syndrome; Alagille syndrome due to a NOTCH2 point mutation. Last evaluated: 2022-03-22. Review status: criteria provided, single submitter. Criteria: ACMG Guidelines, 2015. Collection method: clinical testing. Allele origin: unknown.

Eurofins Ntd Llc (ga)
Classification: Uncertain significance. Last evaluated: 2015-11-25. Review status: criteria provided, single submitter. Criteria: EGL Classification Definitions 2015. Collection method: clinical testing. Allele origin: germline. Observed: 1 variant allele, 1 heterozygote.